The following is an entry in ClinVar:

NM_005993.5(TBCD):c.610C>T (p.Arg204Ter)

Gene: TBCD (tubulin folding cofactor D). Cytogenetic location: 17q25.3.
Variant type: single nucleotide variant.
Coding change: c.610C>T on transcript NM_005993.5 (MANE Select); coding-DNA position 610, C replaced by T.
Protein change: p.Arg204Ter; replaces arginine 204 with a stop codon.
Molecular consequence: nonsense.
Genome position (GRCh38, 1-based): chr17:82,772,479, C>T. VCF-style: chr17-82772479-C-T. GRCh37 (hg19) VCF-style: chr17-80730355-C-T.
Other names: c.559C>T, p.Arg187Ter (NM_001411101.1); c.610C>T, p.Arg204Ter (NM_001411102.1); short protein forms R187*, R204*.
Identifiers: ClinVar variation 2806107 (VCV002806107.3), dbSNP rs1449387690, ClinGen allele CA401629416.
Genomic context (GRCh38, chr17:82,772,479, plus strand): 5'-GTGACCGTGTCTGTGCTTCACCCTTTCTTGCAGTCCTACTTGATTGTCAGTGACAAGGCC[C>T]GAGATGCAGCTGCTGTCCTTGTGTCCAGGTAAGTTTCCATGGCACATTTCTTGGTGTGTG-3'

ClinVar aggregate classification (germline): Pathogenic (1 of 4 stars; one submission).

Allele frequency attached by ClinVar (database versions not stated): gnomAD exomes below 0.00001.
gnomAD v4.1: 4 of 1,613,868 alleles (0.00025%); highest among the groups gnomAD compares: Non-Finnish European, 0.00034%; no homozygotes.

Submission:

Labcorp Genetics (formerly Invitae), Labcorp
Classification: Pathogenic. Last evaluated: 2024-04-15. Review status: criteria provided, single submitter. Criteria: Invitae Variant Classification Sherloc (09022015). Collection method: clinical testing. Allele origin: germline.
Comment: This sequence change creates a premature translational stop signal (p.Arg204*) in the TBCD gene. It is expected to result in an absent or disrupted protein product. Loss-of-function variants in TBCD are known to be pathogenic (PMID: 27666370, 27666374). This variant is present in population databases (no rsID available, gnomAD 0.007%). This variant has not been reported in the literature in individuals affected with TBCD-related conditions. For these reasons, this variant has been classified as Pathogenic.

Literature cited by the submitters: PubMed 27666370; PubMed 27666374.